The following is an entry in ClinVar:

NM_004304.5(ALK):c.2853T>G (p.Asp951Glu)

Gene: ALK (ALK receptor tyrosine kinase; minus strand). Cytogenetic location: 2p23.2.
Variant type: single nucleotide variant.
Coding change: c.2853T>G on transcript NM_004304.5 (MANE Select); coding-DNA position 2853, T replaced by G.
Protein change: p.Asp951Glu; replaces aspartic acid 951 with glutamic acid.
Molecular consequence: missense variant.
Genome position (GRCh38, 1-based): chr2:29,227,635, A>C on the plus strand (T>G on the coding strand, the complement: ALK is on the minus strand). VCF-style: chr2-29227635-A-C. GRCh37 (hg19) VCF-style: chr2-29450501-A-C.
Other names: short protein forms D951E.
Identifiers: ClinVar variation 3854763 (VCV003854763.1).

ClinVar aggregate classification (germline): Uncertain significance (1 of 4 stars; one submission).

Conditions:
Hereditary cancer-predisposing syndrome. Also called: Hereditary neoplastic syndrome; Neoplastic Syndromes, Hereditary; Tumor predisposition; Hereditary Cancer Syndrome. Identifiers: Orphanet 140162, MedGen C0027672, MeSH D009386, MONDO:0015356.

Submission:

Ambry Genetics
Classification: Uncertain significance for Hereditary cancer-predisposing syndrome. Last evaluated: 2025-01-03. Review status: criteria provided, single submitter. Criteria: Ambry Variant Classification Scheme 2023. Collection method: clinical testing. Allele origin: germline.
Comment: The p.D951E variant (also known as c.2853T>G), located in coding exon 17 of the ALK gene, results from a T to G substitution at nucleotide position 2853. The aspartic acid at codon 951 is replaced by glutamic acid, an amino acid with highly similar properties. This amino acid position is conserved. In addition, this alteration is predicted to be tolerated by in silico analysis. Since supporting evidence is limited at this time, the clinical significance of this alteration remains unclear.